The following is an entry in ClinVar:

ClinVar aggregate classification (germline): Benign/Likely benign. Review status: criteria provided, multiple submitters, no conflicts (2 of 4 stars). 2 submissions from 2 submitters: Benign (1); Likely benign (1). Last evaluated 2026-08-01.

Allele frequency attached by ClinVar (database versions not stated): ESP Exome Variant Server 0.00008; 1000 Genomes Project 30x 0.00047; 1000 Genomes Project 0.00060; ExAC 0.00096.
gnomAD v4.1: 776 of 1,613,412 alleles (0.048%); highest among the groups gnomAD compares: South Asian, 0.22%; 5 homozygotes.

Submissions (2):

CeGaT Center for Human Genetics Tuebingen
Classification: Likely benign. Last evaluated: 2026-08-01. Review status: criteria provided, single submitter. Criteria: CeGaT Center For Human Genetics Tuebingen Variant Classification Criteria Version 2. Collection method: clinical testing. Allele origin: germline. Affected: yes. Observed: 2 variant alleles.
Comment: GTF2E2: BP4, BP7

Labcorp Genetics (formerly Invitae), Labcorp
Classification: Benign. Last evaluated: 2025-12-01. Review status: criteria provided, single submitter. Criteria: Invitae Variant Classification Sherloc (09022015). Collection method: clinical testing. Allele origin: germline.

NM_002095.6(GTF2E2):c.144G>A (p.Ser48=)

Gene: GTF2E2 (general transcription factor IIE subunit 2; minus strand). Cytogenetic location: 8p12.
Variant type: single nucleotide variant.
Coding change: c.144G>A on transcript NM_002095.6 (MANE Select); coding-DNA position 144, G replaced by A.
Protein change: p.Ser48=; no amino-acid change (serine 48 retained).
Molecular consequence: synonymous variant.
Genome position (GRCh38, 1-based): chr8:30,653,455, C>T on the plus strand (G>A on the coding strand, the complement: GTF2E2 is on the minus strand). VCF-style: chr8-30653455-C-T. GRCh37 (hg19) VCF-style: chr8-30510972-C-T.
Other names: c.144G>A, p.Ser48= (NM_001348353.1).
Identifiers: ClinVar variation 1649365 (VCV001649365.15), dbSNP rs150995616, ClinGen allele CA4701092.